The following is an entry in ClinVar:

NM_002691.4(POLD1):c.2388+1G>A

Gene: POLD1 (DNA polymerase delta 1, catalytic subunit; plus strand). Cytogenetic location: 19q13.33.
Variant type: single nucleotide variant.
Coding change: c.2388+1G>A on transcript NM_002691.4 (MANE Select); the canonical splice donor site of the intron after coding-DNA position 2388, G replaced by A.
Molecular consequence: splice donor variant.
Genome position (GRCh38, 1-based): chr19:50,413,880, G>A. VCF-style: chr19-50413880-G-A. GRCh37 (hg19) VCF-style: chr19-50917137-G-A.
Other names: c.2388+1G>A (NM_001256849.1); c.2466+1G>A (NM_001308632.1).
Identifiers: ClinVar variation 2193558 (VCV002193558.4), dbSNP rs2122451897, ClinGen allele CA406984439.

ClinVar aggregate classification (germline): Uncertain significance (1 of 4 stars; one submission).

Conditions:
POLD1-related polyposis and colorectal cancer syndrome (CRCS10). Also called: Colorectal cancer, susceptibility to, 10; Colorectal cancer 10; COLORECTAL CANCER, SUSCEPTIBILITY TO, ON CHROMOSOME 19q. Identifiers: Orphanet 220460, MedGen C2675481, MONDO:0012953, OMIM 612591.

Allele frequency attached by ClinVar (database versions not stated): gnomAD exomes below 0.00001.

Submission:

Labcorp Genetics (formerly Invitae), Labcorp
Classification: Uncertain significance for POLD1-related polyposis and colorectal cancer syndrome. Last evaluated: 2024-12-30. Review status: criteria provided, single submitter. Criteria: Invitae Variant Classification Sherloc (09022015). Collection method: clinical testing. Allele origin: germline.
Comment: This sequence change affects a donor splice site in intron 19 of the POLD1 gene. Missense variants that disrupt the 3'-5' exonuclease (proof-reading) activity of the POLD1 protein are associated with PPAP (polymerase proofreading–associated polyposis) (PMID: 23263490, 23447401). However, loss-of-function variants that result in an absent or severely disrupted POLD1 protein, and missense variants outside the exonuclease domain, are unlikely to be associated with PPAP. This variant is not present in population databases (gnomAD no frequency). This variant has not been reported in the literature in individuals affected with POLD1-related conditions. ClinVar contains an entry for this variant (Variation ID: 2193558). Algorithms developed to predict the effect of sequence changes on RNA splicing suggest that this variant may disrupt the consensus splice site. In summary, the available evidence is currently insufficient to determine the role of this variant in disease. Therefore, it has been classified as a Variant of Uncertain Significance.

Literature cited by the submitters: PubMed 23263490; PubMed 23447401.